The following is an entry in ClinVar:

NM_014915.3(ANKRD26):c.3254A>G (p.Asp1085Gly)

Gene: ANKRD26 (ankyrin repeat domain containing 26; minus strand). Cytogenetic location: 10p12.1.
Variant type: single nucleotide variant.
Coding change: c.3254A>G on transcript NM_014915.3 (MANE Select); coding-DNA position 3254, A replaced by G.
Protein change: p.Asp1085Gly; replaces aspartic acid 1085 with glycine.
Molecular consequence: missense variant.
Genome position (GRCh38, 1-based): chr10:27,035,196, T>C on the plus strand (A>G on the coding strand, the complement: ANKRD26 is on the minus strand). VCF-style: chr10-27035196-T-C. GRCh37 (hg19) VCF-style: chr10-27324125-T-C.
Other names: c.3251A>G, p.Asp1084Gly (NM_001256053.2); short protein forms D1084G, D1085G.
Identifiers: ClinVar variation 3396880 (VCV003396880.1).

ClinVar aggregate classification (germline): Uncertain significance (1 of 4 stars; one submission).

Conditions:
Inborn genetic diseases. Identifiers: MedGen C0950123, MeSH D030342.

Submission:

Ambry Genetics
Classification: Uncertain significance for Inborn genetic diseases. Last evaluated: 2024-11-27. Review status: criteria provided, single submitter. Criteria: Ambry Variant Classification Scheme 2023. Collection method: clinical testing. Allele origin: germline.
Comment: The p.D1085G variant (also known as c.3254A>G), located in coding exon 24 of the ANKRD26 gene, results from an A to G substitution at nucleotide position 3254. The aspartic acid at codon 1085 is replaced by glycine, an amino acid with similar properties. This amino acid position is conserved. In addition, this alteration is predicted to be tolerated by in silico analysis. Based on the available evidence, the clinical significance of this variant remains unclear.